The following is an entry in ClinVar:

ClinVar aggregate classification (germline): Pathogenic (1 of 4 stars; one submission).

Submission:

Quest Diagnostics Nichols Institute San Juan Capistrano
Classification: Pathogenic. Last evaluated: 2022-04-23. Review status: criteria provided, single submitter. Criteria: ACMG/ClinGen CNV Guidelines, 2019. Collection method: clinical testing. Allele origin: unknown.
Comment: The 15q11q13 recurrent duplication interval (BP2-BP3) of the Prader-Willi/Angelman critical region is associated with 15q11-q13 duplication syndrome (OMIM 608636). Clinical features can vary between and within families and can include autism, intellectual disability, ataxia, seizures, developmental delays, and behavioral problems. Evidence suggests a parent-of-origin effect, with maternally derived duplications being more frequently associated with abnormal phenotypes. Paternally derived duplications have been reported often in unaffected individuals; however, they also have been identified in some individuals with clinical phenotypes, including autism (Urraca et al., Autism Res. 2013 Aug;6(4):268-79, PMID: 23495136) and seizures (Marini et al., Am J Med Genet A. 2013 Jun;161A(6):1459-64. PMID: 23633446). See GeneReviews for additional information and references.

GRCh37/hg19 15q11.2-13.1(chr15:23615769-28545601)x3

Genes: HERC2 (HECT and RLD domain containing E3 ubiquitin protein ligase 2; minus strand), ATP10A (ATPase phospholipid transporting 10A (putative); minus strand), GABRA5 (gamma-aminobutyric acid type A receptor subunit alpha5; plus strand), GABRB3 (gamma-aminobutyric acid type A receptor subunit beta3; minus strand), GABRG3 (gamma-aminobutyric acid type A receptor subunit gamma3; plus strand) and 19 more. Cytogenetic location: 15q11.2-13.1.
Variant type: copy number gain.
Change: copy number 3 (three copies instead of two) of chr15:23,615,769-28,545,601 (4.93 Mb, GRCh37 coordinates, 1-based), cytogenetic band 15q11.2-13.1.
Identifiers: ClinVar variation 1808643 (VCV001808643.1).